The following is an entry in ClinVar:

NM_001278716.2(FBXL4):c.879T>C (p.Asn293=)

Gene: FBXL4 (F-box and leucine rich repeat protein 4; minus strand). Cytogenetic location: 6q16.2.
Variant type: single nucleotide variant.
Coding change: c.879T>C on transcript NM_001278716.2 (MANE Select); coding-DNA position 879, T replaced by C.
Protein change: p.Asn293=; no amino-acid change (asparagine 293 retained).
Molecular consequence: synonymous variant. On other transcripts: non-coding transcript variant (2).
Genome position (GRCh38, 1-based): chr6:98,905,650, A>G on the plus strand (T>C on the coding strand, the complement: FBXL4 is on the minus strand). VCF-style: chr6-98905650-A-G. GRCh37 (hg19) VCF-style: chr6-99353526-A-G.
Other names: c.879T>C, p.Asn293= (NM_012160.5).
Identifiers: ClinVar variation 437648 (VCV000437648.1), dbSNP rs762902348, ClinGen allele CA3933591.

ClinVar aggregate classification (germline): Uncertain significance (1 of 4 stars; one submission).

Conditions:
Mitochondrial DNA depletion syndrome 13. Also called: FBXL4-Related Encephalomyopathic Mitochondrial DNA Depletion Syndrome; Mitochondrial DNA depletion syndrome 13 (encephalomyopathic type). Identifiers: Orphanet 369897, MedGen C3809592, MONDO:0014198, OMIM 615471.

Allele frequency attached by ClinVar (database versions not stated): ExAC 0.00001.

Submission:

Wong Mito Lab, Molecular and Human Genetics, Baylor College of Medicine
Classification: Uncertain significance for Mitochondrial DNA depletion syndrome 13. Last evaluated: 2017-08-10. Review status: criteria provided, single submitter. Criteria: ACMG Guidelines, 2015. Collection method: reference population. Allele origin: germline.
Comment: The NM_012160.4:c.879T>C (NP_036292.2:p.Asn293=) [GRCH38: NC_000006.12:g.98905650A>G] variant in FBXL4 gene is interpretated to be a Uncertain Significance - Conflicting Evidence based on ACMG guidelines (PMID: 25741868). This variant meets one or more of the following evidence codes reported in the ACMG-guideline. PM2:This variant is absent in key population databases. BP4:Computational evidence/predictors indicate no impact on the FBXL4 structure, function, or protein-protein interaction. BP7:The variant is silent with non predicted splice impact. Based on this evidence code ClinGen Pathogenicity Calculator (PMID:28081714) suggested that the variant is Uncertain Significance - Conflicting Evidence.